The following is an entry in ClinVar:

NM_001375524.1(TRRAP):c.7427G>C (p.Arg2476Pro)

Gene: TRRAP (transformation/transcription domain associated protein; plus strand). Cytogenetic location: 7q22.1.
Variant type: single nucleotide variant.
Coding change: c.7427G>C on transcript NM_001375524.1 (MANE Select); coding-DNA position 7427, G replaced by C.
Protein change: p.Arg2476Pro; replaces arginine 2476 with proline.
Molecular consequence: missense variant.
Genome position (GRCh38, 1-based): chr7:98,967,613, G>C. VCF-style: chr7-98967613-G-C. GRCh37 (hg19) VCF-style: chr7-98565236-G-C.
Other names: c.7406G>C, p.Arg2469Pro (NM_001244580.2); c.7352G>C, p.Arg2451Pro (NM_003496.4); short protein forms R2451P, R2469P, R2476P.
Identifiers: ClinVar variation 3619281 (VCV003619281.2).

ClinVar aggregate classification (germline): Uncertain significance (1 of 4 stars; one submission).

gnomAD v4.1: 27 of 1,614,070 alleles (0.0017%); highest among the groups gnomAD compares: Non-Finnish European, 0.0023%; no homozygotes.

Submission:

Labcorp Genetics (formerly Invitae), Labcorp
Classification: Uncertain significance. Last evaluated: 2024-02-23. Review status: criteria provided, single submitter. Criteria: Invitae Variant Classification Sherloc (09022015). Collection method: clinical testing. Allele origin: germline.
Comment: This sequence change replaces arginine, which is basic and polar, with proline, which is neutral and non-polar, at codon 2451 of the TRRAP protein (p.Arg2451Pro). This variant is not present in population databases (gnomAD no frequency). This variant has not been reported in the literature in individuals affected with TRRAP-related conditions. Advanced modeling of protein sequence and biophysical properties (such as structural, functional, and spatial information, amino acid conservation, physicochemical variation, residue mobility, and thermodynamic stability) performed at Invitae indicates that this missense variant is expected to disrupt TRRAP protein function with a positive predictive value of 80%. In summary, the available evidence is currently insufficient to determine the role of this variant in disease. Therefore, it has been classified as a Variant of Uncertain Significance.